The following is an entry in ClinVar:

NM_002439.5(MSH3):c.2253_2253+1insAT

Gene: MSH3 (mutS homolog 3; plus strand). Cytogenetic location: 5q14.1.
Variant type: Insertion.
Coding change: c.2253_2253+1insAT on transcript NM_002439.5 (MANE Select); coding-DNA position 2253 through the canonical splice donor site of the intron after coding-DNA position 2253, AT inserted.
Molecular consequence: splice donor variant.
Genome position: GRCh38 VCF-style: chr5-80769003-G-GAT. GRCh37 (hg19) VCF-style: chr5-80064822-G-GAT.
Identifiers: ClinVar variation 2673490 (VCV002673490.1), dbSNP rs2546774346, ClinGen allele CA2695198675.
Genomic context (GRCh38, chr5:80,769,003, plus strand): 5'-AGAAATACGAAAAATACTAAAAAATCCTTCTGCACAATATGTGACAGTATCAGGACAGGA[G>GAT]GTAATGTCAAGCTTACTTTTATTTTCTATTAGTTTTACTCTAGTAGAAAAGCTATTTTAA-3'

ClinVar aggregate classification (germline): Likely pathogenic (1 of 4 stars; one submission).

Conditions:
Familial adenomatous polyposis 4 (FAP4). Also called: MSH3-related attenuated familial adenomatous polyposis. Identifiers: Orphanet 480536, MedGen C4310719, MONDO:0044300, OMIM 617100.

Submission:

Myriad Genetics, Inc.
Classification: Likely pathogenic for Familial adenomatous polyposis 4. Last evaluated: 2023-08-30. Review status: criteria provided, single submitter. Criteria: Myriad Autosomal Dominant, Autosomal Recessive and X-Linked Classification Criteria (2023). Collection method: clinical testing. Allele origin: unknown.
Comment: This variant is considered likely pathogenic. This variant occurs within a consensus splice junction and is predicted to result in abnormal mRNA splicing of either an out-of-frame exon or an in-frame exon necessary for protein stability and/or normal function.